The following is an entry in ClinVar:

NM_001083962.2(TCF4):c.639C>T (p.Ser213=)

Gene: TCF4 (transcription factor 4; minus strand). Cytogenetic location: 18q21.2.
Variant type: single nucleotide variant.
Coding change: c.639C>T on transcript NM_001083962.2 (MANE Select); coding-DNA position 639, C replaced by T.
Protein change: p.Ser213=; no amino-acid change (serine 213 retained).
Molecular consequence: synonymous variant. On other transcripts: 5 prime UTR variant (1).
Genome position (GRCh38, 1-based): chr18:55,279,567, G>A on the plus strand (C>T on the coding strand, the complement: TCF4 is on the minus strand). VCF-style: chr18-55279567-G-A. GRCh37 (hg19) VCF-style: chr18-52946798-G-A.
Other names: c.945C>T, p.Ser315= (NM_001243226.3); c.567C>T, p.Ser189= (NM_001243227.2, NM_001306207.1, NM_001348217.1 and 9 more transcripts); c.657C>T, p.Ser219= (NM_001243228.2); c.633C>T, p.Ser211= (NM_001243230.2); c.513C>T, p.Ser171= (NM_001243231.2, NM_001348211.2); c.426C>T, p.Ser142= (NM_001243232.1, NM_001306208.1); c.249C>T, p.Ser83= (NM_001243233.2, NM_001330605.3, NM_001348212.2 and 1 more transcripts); c.159C>T, p.Ser53= (NM_001243234.2, NM_001243235.2, NM_001243236.2 and 2 more transcripts); and 4 more.
Identifiers: ClinVar variation 588276 (VCV000588276.20), dbSNP rs771829952, ClinGen allele CA8970443.

ClinVar aggregate classification (germline): Benign/Likely benign. Review status: criteria provided, multiple submitters, no conflicts (2 of 4 stars). 4 submissions from 4 submitters: Benign (2); Likely benign (2). Last evaluated 2026-09-01.

Conditions:
Inborn genetic diseases. Identifiers: MedGen C0950123, MeSH D030342.
Pitt-Hopkins syndrome (PTHS). Also called: ENCEPHALOPATHY, SEVERE EPILEPTIC, WITH AUTONOMIC DYSFUNCTION; MENTAL RETARDATION, SYNDROMAL, WITH INTERMITTENT HYPERVENTILATION. Identifiers: Orphanet 2896, MedGen C1970431, MONDO:0012589, OMIM 610954.

Allele frequency attached by ClinVar (database versions not stated): gnomAD 0.00001; TOPMed 0.00005; gnomAD exomes 0.00008 and 0.00017; ExAC 0.00016.
gnomAD v4.1: 47 of 1,613,850 alleles (0.0029%); highest among the groups gnomAD compares: Admixed American, 0.078%; no homozygotes.

Submissions (4):

CeGaT Center for Human Genetics Tuebingen
Classification: Likely benign. Last evaluated: 2026-09-01. Review status: criteria provided, single submitter. Criteria: CeGaT Center For Human Genetics Tuebingen Variant Classification Criteria Version 2. Collection method: clinical testing. Allele origin: germline. Affected: yes. Observed: 1 variant allele.
Comment: TCF4: BP4

Labcorp Genetics (formerly Invitae), Labcorp
Classification: Benign for Pitt-Hopkins syndrome. Last evaluated: 2025-10-11. Review status: criteria provided, single submitter. Criteria: Invitae Variant Classification Sherloc (09022015). Collection method: clinical testing. Allele origin: germline.

GeneDx
Classification: Benign. Last evaluated: 2019-07-24. Review status: criteria provided, single submitter. Criteria: GeneDx Variant Classification Process June 2021. Collection method: clinical testing. Allele origin: germline. Affected: yes.

Ambry Genetics
Classification: Likely benign for Inborn genetic diseases. Last evaluated: 2016-09-16. Review status: criteria provided, single submitter. Criteria: Ambry Variant Classification Scheme 2023. Collection method: clinical testing. Allele origin: germline.